The following is an entry in ClinVar:

ClinVar aggregate classification (germline): Uncertain significance (1 of 4 stars; one submission).

Conditions:
Epidermolysis bullosa simplex 5C, with pyloric atresia (EBS5C). Also called: PLEC-Related Epidermolysis Bullosa with Pyloric Atresia; Epidermolysis bullosa simplex with pyloric atresia; PLEC1-Related Epidermolysis Bullosa with Pyloric Atresia. Identifiers: Orphanet 158684, MedGen C2677349, MONDO:0012807, OMIM 612138.
Epidermolysis bullosa simplex 5B, with muscular dystrophy (EBS5B). Also called: EPIDERMOLYSIS BULLOSA SIMPLEX AND LIMB-GIRDLE MUSCULAR DYSTROPHY; Epidermolysis bullosa simplex with muscular dystrophy. Identifiers: Orphanet 257, MedGen C2931072, MONDO:0009181, OMIM 226670.
Autosomal recessive limb-girdle muscular dystrophy type 2Q (LGMDR17). Also called: MUSCULAR DYSTROPHY, LIMB-GIRDLE, AUTOSOMAL RECESSIVE 17. Identifiers: Orphanet 254361, MedGen C3150989, MONDO:0013390, OMIM 613723.
Epidermolysis bullosa simplex with nail dystrophy (EBS5D). Identifiers: MedGen C4225309, MONDO:0014661, OMIM 616487.
Epidermolysis bullosa simplex, Ogna type (EBS5A). Also called: Pidermolysis bullosa simplex 5A, Ogna type; EPIDERMOLYSIS BULLOSA SIMPLEX 5A, OGNA TYPE. Identifiers: Orphanet 79401, MedGen C0432317, MONDO:0007555, OMIM 131950.

Allele frequency attached by ClinVar (database versions not stated): gnomAD below 0.00001 and 0.00001; gnomAD exomes 0.00001 and 0.00003; ExAC 0.00005.
gnomAD v4.1: 14 of 1,600,468 alleles (0.00087%); highest among the groups gnomAD compares: South Asian, 0.013%; no homozygotes.

Submission:

Labcorp Genetics (formerly Invitae), Labcorp
Classification: Uncertain significance for Autosomal recessive limb-girdle muscular dystrophy type 2Q; Epidermolysis bullosa simplex, Ogna type; Epidermolysis bullosa simplex with nail dystrophy; Epidermolysis bullosa simplex 5C, with pyloric atresia; Epidermolysis bullosa simplex 5B, with muscular dystrophy. Last evaluated: 2024-11-29. Review status: criteria provided, single submitter. Criteria: Invitae Variant Classification Sherloc (09022015). Collection method: clinical testing. Allele origin: germline.
Comment: This sequence change replaces histidine, which is basic and polar, with arginine, which is basic and polar, at codon 959 of the PLEC protein (p.His959Arg). This variant is present in population databases (rs782665023, gnomAD 0.02%). This variant has not been reported in the literature in individuals affected with PLEC-related conditions. ClinVar contains an entry for this variant (Variation ID: 639742). Invitae Evidence Modeling of protein sequence and biophysical properties (such as structural, functional, and spatial information, amino acid conservation, physicochemical variation, residue mobility, and thermodynamic stability) has been performed for this missense variant. However, the output from this modeling did not meet the statistical confidence thresholds required to predict the impact of this variant on PLEC protein function. In summary, the available evidence is currently insufficient to determine the role of this variant in disease. Therefore, it has been classified as a Variant of Uncertain Significance.

NM_201384.3(PLEC):c.2795A>G (p.His932Arg)

Gene: PLEC (plectin; minus strand). Cytogenetic location: 8q24.3.
Variant type: single nucleotide variant.
Coding change: c.2795A>G on transcript NM_201384.3 (MANE Select); coding-DNA position 2795, A replaced by G.
Protein change: p.His932Arg; replaces histidine 932 with arginine.
Molecular consequence: missense variant.
Genome position (GRCh38, 1-based): chr8:143,929,774, T>C on the plus strand (A>G on the coding strand, the complement: PLEC is on the minus strand). VCF-style: chr8-143929774-T-C. GRCh37 (hg19) VCF-style: chr8-145003942-T-C.
Other names: c.2876A>G, p.His959Arg (NM_000445.5); c.2753A>G, p.His918Arg (NM_201378.4); c.2729A>G, p.His910Arg (NM_201379.3); c.3206A>G, p.His1069Arg (NM_201380.4); c.2699A>G, p.His900Arg (NM_201381.3); c.2795A>G, p.His932Arg (NM_201382.4); c.2807A>G, p.His936Arg (NM_201383.3); short protein forms H900R, H918R, H936R, H910R, H959R, H932R, H1069R.
Identifiers: ClinVar variation 639742 (VCV000639742.6), dbSNP rs782665023, ClinGen allele CA4927341.